The following is an entry in ClinVar:

ClinVar aggregate classification (germline): Benign/Likely benign. Review status: criteria provided, multiple submitters, no conflicts (2 of 4 stars). 15 submissions from 14 submitters: Benign (11); Likely benign (1). 3 of the submissions do not count toward it. Last evaluated 2026-02-04.

Conditions:
Inborn genetic diseases. Identifiers: MedGen C0950123, MeSH D030342.
Familial Mediterranean fever (FMF). Also called: POLYSEROSITIS, FAMILIAL PAROXYSMAL; POLYSEROSITIS, RECURRENT; Periodic peritonitis; Benign paroxysmal peritonitis. Identifiers: Orphanet 342, MedGen C0031069, MONDO:0018088, OMIM 249100. Disease mechanism: gain of function.
Familial Mediterranean fever, autosomal dominant. Also called: Dominant Familial Mediterranean Fever; FMF, AUTOSOMAL DOMINANT. Identifiers: Orphanet 342, MedGen C1851347, MONDO:0007601, OMIM 134610.

Allele frequency attached by ClinVar (database versions not stated): gnomAD exomes 0.56465 and 0.60800; ESP Exome Variant Server 0.56857; gnomAD 0.58038 and 0.58650; TOPMed 0.59361; ExAC 0.60570; 1000 Genomes Project 0.65056; 1000 Genomes Project 30x 0.65178.
gnomAD v4.1: 914,332 of 1,613,124 alleles (57%); highest among the groups gnomAD compares: South Asian, 71%; 262,292 homozygotes.

Submissions (15):

Labcorp Genetics (formerly Invitae), Labcorp
Classification: Benign for Familial Mediterranean fever. Last evaluated: 2026-02-04. Review status: criteria provided, single submitter. Criteria: Invitae Variant Classification Sherloc (09022015). Collection method: clinical testing. Allele origin: germline.

ARUP Laboratories, Molecular Genetics and Genomics, ARUP Laboratories
Classification: Benign. Last evaluated: 2025-07-30. Review status: criteria provided, single submitter. Criteria: ARUP Molecular Germline Variant Investigation Process 2024. Collection method: clinical testing. Allele origin: germline.

Blueprint Genetics
Classification: Likely benign. Last evaluated: 2024-11-27. Review status: criteria provided, single submitter. Criteria: ACMG Guidelines, 2015. Collection method: clinical testing. Allele origin: germline.

Unidad de Genómica Garrahan, Hospital de Pediatría Garrahan
Classification: Benign. Last evaluated: 2023-11-12. Review status: criteria provided, single submitter. Criteria: ACMG Guidelines, 2015. Collection method: clinical testing. Allele origin: germline. Affected: no. Observed: 85 variant alleles.
Comment: This variant is classified as Benign based on local population frequency. This variant was detected in 89% of patients studied by a panel of primary immunodeficiencies. Number of patients: 85. Only high quality variants are reported.

Mayo Clinic Laboratories, Mayo Clinic
Classification: Benign. Last evaluated: 2022-03-09. Review status: criteria provided, single submitter. Criteria: ACMG Guidelines, 2015. Collection method: clinical testing. Allele origin: germline. Observed: 1,104 variant alleles.

Genome-Nilou Lab
Classification: Benign for Familial Mediterranean fever, autosomal dominant. Last evaluated: 2021-07-01. Review status: criteria provided, single submitter. Criteria: ACMG Guidelines, 2015. Collection method: clinical testing. Allele origin: germline. Affected: no.

Genome-Nilou Lab
Classification: Benign for Familial Mediterranean fever. Last evaluated: 2021-07-01. Review status: criteria provided, single submitter. Criteria: ACMG Guidelines, 2015. Collection method: clinical testing. Allele origin: germline. Affected: no.

Illumina Laboratory Services, Illumina
Classification: Benign for Familial Mediterranean fever. Last evaluated: 2018-01-13. Review status: criteria provided, single submitter. Criteria: ICSL Variant Classification Criteria 13 December 2019. Collection method: clinical testing. Allele origin: germline.
Comment: This variant was observed in the ICSL laboratory as part of a predisposition screen in an ostensibly healthy population. It had not been previously curated by ICSL or reported in the Human Gene Mutation Database (HGMD: prior to June 1st, 2018), and was therefore a candidate for classification through an automated scoring system. Utilizing variant allele frequency, disease prevalence and penetrance estimates, and inheritance mode, an automated score was calculated to assess if this variant is too frequent to cause the disease. Based on the score and internal cut-off values, a variant classified as benign is not then subjected to further curation. The score for this variant resulted in a classification of benign for this disease.

Ambry Genetics
Classification: Benign for Inborn genetic diseases. Last evaluated: 2016-07-12. Review status: criteria provided, single submitter. Criteria: Ambry Variant Classification Scheme 2023. Collection method: clinical testing. Allele origin: germline.

GeneDx
Classification: Benign. Last evaluated: 2015-03-03. Review status: criteria provided, single submitter. Criteria: GeneDx Variant Classification Process June 2021. Collection method: clinical testing. Allele origin: germline. Affected: yes.

Breakthrough Genomics
Classification: Benign. Review status: criteria provided, single submitter. Criteria: ACMG Guidelines, 2015. Collection method: not provided. Allele origin: germline. Inheritance: Autosomal recessive inheritance. Affected: yes.

PreventionGenetics, part of Exact Sciences
Classification: Benign. Review status: criteria provided, single submitter. Criteria: ACMG Guidelines, 2015. Collection method: clinical testing. Allele origin: germline.

Natera, Inc.
Classification: Benign for Familial Mediterranean fever. Last evaluated: 2020-09-16. Review status: no assertion criteria provided. Collection method: clinical testing. Allele origin: germline. Not counted in ClinVar's aggregate classification.

Diagnostic Laboratory, Department of Genetics, University Medical Center Groningen
Classification: Benign. Review status: no assertion criteria provided. Collection method: clinical testing. Allele origin: germline. Affected: yes. Study: VKGL Data-share Consensus. Not counted in ClinVar's aggregate classification.

Genome Diagnostics Laboratory, University Medical Center Utrecht
Classification: Benign. Review status: no assertion criteria provided. Collection method: clinical testing. Allele origin: germline. Affected: yes. Study: VKGL Data-share Consensus. Not counted in ClinVar's aggregate classification.

NM_000243.3(MEFV):c.1428A>G (p.Gln476=)

Gene: MEFV (MEFV innate immunity regulator, pyrin; minus strand). Cytogenetic location: 16p13.3.
Variant type: single nucleotide variant.
Coding change: c.1428A>G on transcript NM_000243.3 (MANE Select); coding-DNA position 1428, A replaced by G.
Protein change: p.Gln476=; no amino-acid change (glutamine 476 retained).
Molecular consequence: synonymous variant.
Genome position (GRCh38, 1-based): chr16:3,247,175, T>C on the plus strand (A>G on the coding strand, the complement: MEFV is on the minus strand). VCF-style: chr16-3247175-T-C. GRCh37 (hg19) VCF-style: chr16-3297175-T-C.
Other names: p.Gln476=; c.795A>G, p.Gln265= (NM_001198536.2).
Identifiers: ClinVar variation 255615 (VCV000255615.43), dbSNP rs224207, ClinGen allele CA7860132.